The following is an entry in ClinVar:

NM_006096.4(NDRG1):c.956G>A (p.Ser319Asn)

Gene: NDRG1 (N-myc downstream regulated 1; minus strand). Cytogenetic location: 8q24.22.
Variant type: single nucleotide variant.
Coding change: c.956G>A on transcript NM_006096.4 (MANE Select); coding-DNA position 956, G replaced by A.
Protein change: p.Ser319Asn; replaces serine 319 with asparagine.
Molecular consequence: missense variant.
Genome position (GRCh38, 1-based): chr8:133,239,107, C>T on the plus strand (G>A on the coding strand, the complement: NDRG1 is on the minus strand). VCF-style: chr8-133239107-C-T. GRCh37 (hg19) VCF-style: chr8-134251350-C-T.
Other names: c.956G>A, p.Ser319Asn (NM_001135242.2, NM_001374845.1, NM_001374846.1); c.758G>A, p.Ser253Asn (NM_001258432.2, NM_001374847.1); c.713G>A, p.Ser238Asn (NM_001258433.2); c.1007G>A, p.Ser336Asn (NM_001374844.1); short protein forms S319N, S238N, S253N, S336N.
Identifiers: ClinVar variation 578569 (VCV000578569.5), dbSNP rs1564277421, ClinGen allele CA372254643.

ClinVar aggregate classification (germline): Uncertain significance. Review status: criteria provided, single submitter (1 of 4 stars). 2 submissions from 2 submitters: Uncertain significance (1). 1 of the submissions does not count toward it. Last evaluated 2021-10-20.

Conditions:
Charcot-Marie-Tooth disease type 4D. Also called: Charcot-Marie-Tooth Neuropathy Type 4D; NEUROPATHY, HEREDITARY MOTOR AND SENSORY, LOM TYPE; CHARCOT-MARIE-TOOTH DISEASE, DEMYELINATING, TYPE 4D; CHARCOT-MARIE-TOOTH DISEASE, DEMYELINATING, AUTOSOMAL RECESSIVE, TYPE 4D. Identifiers: Orphanet 99950, MedGen C1832334, MONDO:0011085, OMIM 601455.
Charcot-Marie-Tooth disease type 4. Also called: Charcot-Marie-Tooth disease, type IV; Charcot-Marie-Tooth, Type 4. Identifiers: Orphanet 64749, MedGen C4082197, MONDO:0018995.

gnomAD v4.1: 1 of 1,558,330 alleles (0.000064%); no homozygotes.

Submissions (2):

Labcorp Genetics (formerly Invitae), Labcorp
Classification: Uncertain significance for Charcot-Marie-Tooth disease type 4. Last evaluated: 2021-10-20. Review status: criteria provided, single submitter. Criteria: Invitae Variant Classification Sherloc (09022015). Collection method: clinical testing. Allele origin: germline.
Comment: This sequence change replaces serine with asparagine at codon 319 of the NDRG1 protein (p.Ser319Asn). The serine residue is moderately conserved and there is a small physicochemical difference between serine and asparagine. This variant is not present in population databases (ExAC no frequency). This variant has not been reported in the literature in individuals affected with NDRG1-related conditions. Algorithms developed to predict the effect of missense changes on protein structure and function are either unavailable or do not agree on the potential impact of this missense change (SIFT: "Tolerated"; PolyPhen-2: "Possibly Damaging"; Align-GVGD: "Class C0"). In summary, the available evidence is currently insufficient to determine the role of this variant in disease. Therefore, it has been classified as a Variant of Uncertain Significance.

Natera, Inc.
Classification: Uncertain significance for Charcot-Marie-Tooth disease type 4D. Last evaluated: 2020-03-17. Review status: no assertion criteria provided. Collection method: clinical testing. Allele origin: germline. Not counted in ClinVar's aggregate classification.